The following is an entry in ClinVar:

NM_005573.4(LMNB1):c.1251G>T (p.Lys417Asn)

Gene: LMNB1 (lamin B1; plus strand). Cytogenetic location: 5q23.2.
Variant type: single nucleotide variant.
Coding change: c.1251G>T on transcript NM_005573.4 (MANE Select); coding-DNA position 1251, G replaced by T.
Protein change: p.Lys417Asn; replaces lysine 417 with asparagine.
Molecular consequence: missense variant. On other transcripts: non-coding transcript variant (2).
Genome position (GRCh38, 1-based): chr5:126,821,000, G>T. VCF-style: chr5-126821000-G-T. GRCh37 (hg19) VCF-style: chr5-126156692-G-T.
Other names: c.621G>T, p.Lys207Asn (NM_001198557.2); short protein forms K207N, K417N.
Identifiers: ClinVar variation 2579475 (VCV002579475.1), dbSNP rs11738640, ClinGen allele CA126928316.
Genomic context (GRCh38, chr5:126,821,000, plus strand): 5'-TGTGACAGTATCCCGAGCATCCTCAAGTCGTAGTGTACGTACAACTAGAGGAAAGCGGAA[G>T]AGGGTTGATGTGGAAGAATCAGAGGCGAGTAGTAGTGTTAGCATCTCTCATTCCGCCTCA-3'
Protein context (NP_005564.1, residues 407-427): RSVRTTRGKR[Lys417Asn]RVDVEESEAS

ClinVar aggregate classification (germline): Uncertain significance (1 of 4 stars; one submission).

Submission:

GeneDx
Classification: Uncertain significance. Last evaluated: 2023-03-09. Review status: criteria provided, single submitter. Criteria: GeneDx Variant Classification Process June 2021. Collection method: clinical testing. Allele origin: germline. Affected: yes.
Comment: Not observed at significant frequency in large population cohorts (gnomAD); In silico analysis supports that this missense variant has a deleterious effect on protein structure/function; Has not been previously published as pathogenic or benign to our knowledge